The following is an entry in ClinVar:

NM_032380.5(GFM2):c.1399AAG[1] (p.Lys468del)

Gene: GFM2 (GTP dependent ribosome recycling factor mitochondrial 2; minus strand). Cytogenetic location: 5q13.3.
Variant type: Microsatellite.
Coding change: c.1399AAG[1] on transcript NM_032380.5 (MANE Select); one copy of the 3-base unit AAG starting at c.1399; the reference has two copies in a row; one copy, 3 bases deleted.
Protein change: p.Lys468del; deletes lysine 468.
Molecular consequence: inframe deletion. On other transcripts: non-coding transcript variant (1).
Genome position (GRCh38, 1-based): chr5:74,736,902-74,736,904, CTT deleted on the plus strand (AAG on the coding strand, the reverse complement: GFM2 is on the minus strand); deleting any 3 consecutive bases within chr5:74,736,902-74,736,907 gives the same sequence; the position shown is the placement nearest the transcript's 3' end. VCF-style (leftmost placement, unchanged base first): chr5-74736901-GCTT-G. GRCh37 (hg19) VCF-style: chr5-74032726-GCTT-G.
Other names: c.1495AAG[1], p.Lys500del (NM_001281302.2); c.1399AAG[1], p.Lys468del (NM_170681.3); c.1258AAG[1], p.Lys421del (NM_170691.3); short protein forms K421del, K468del, K500del.
Identifiers: ClinVar variation 3607617 (VCV003607617.2).
Genomic context (GRCh38, chr5:74,736,901, plus strand): 5'-CAGGTTCTGGAATCTCCACTCCAGCCAATAAAAGTCTCTCTGCTTCATTGTTTTGTCTGT[GCTT>G]CTTTTCTCCCTCCCGTTCGGCTCTACGAGCTGCAGCTAATGCACTGGACTTGGATGAGAC-3'

ClinVar aggregate classification (germline): Uncertain significance (1 of 4 stars; one submission).

Submission:

Labcorp Genetics (formerly Invitae), Labcorp
Classification: Uncertain significance. Last evaluated: 2024-08-12. Review status: criteria provided, single submitter. Criteria: Invitae Variant Classification Sherloc (09022015). Collection method: clinical testing. Allele origin: germline.
Comment: This variant, c.1402_1404del, results in the deletion of 1 amino acid(s) of the GFM2 protein (p.Lys468del), but otherwise preserves the integrity of the reading frame. This variant is present in population databases (no rsID available, gnomAD 0.01%). This variant has not been reported in the literature in individuals affected with GFM2-related conditions. Experimental studies and prediction algorithms are not available or were not evaluated, and the functional significance of this variant is currently unknown. In summary, the available evidence is currently insufficient to determine the role of this variant in disease. Therefore, it has been classified as a Variant of Uncertain Significance.